The following is an entry in ClinVar:

ClinVar aggregate classification (germline): Uncertain significance (1 of 4 stars; one submission).

Conditions:
PLXNA4-related disorder. Also called: PLXNA4-related condition.

Submission:

PreventionGenetics, part of Exact Sciences
Classification: Uncertain significance for PLXNA4-related condition. Last evaluated: 2024-11-10. Review status: criteria provided, single submitter. Criteria: ACMG Guidelines, 2015. Collection method: clinical testing. Allele origin: germline.
Comment: The PLXNA4 c.3903T>G variant is predicted to result in the amino acid substitution p.His1301Gln. To our knowledge, this variant has not been reported in the literature. This variant is reported in 0.0064% of alleles in individuals of African descent in gnomAD. At this time, the clinical significance of this variant is uncertain due to the absence of conclusive functional and genetic evidence.

NM_020911.2(PLXNA4):c.3903T>G (p.His1301Gln)

Gene: PLXNA4 (plexin A4; minus strand). Cytogenetic location: 7q32.3.
Variant type: single nucleotide variant.
Coding change: c.3903T>G on transcript NM_020911.2 (MANE Select); coding-DNA position 3903, T replaced by G.
Protein change: p.His1301Gln; replaces histidine 1301 with glutamine.
Molecular consequence: missense variant.
Genome position (GRCh38, 1-based): chr7:132,174,892, A>C on the plus strand (T>G on the coding strand, the complement: PLXNA4 is on the minus strand). VCF-style: chr7-132174892-A-C. GRCh37 (hg19) VCF-style: chr7-131859651-A-C.
Other names: c.3903T>G, p.His1301Gln (NM_001393897.1); short protein forms H1301Q.
Identifiers: ClinVar variation 4985098 (VCV004985098.1).
Genomic context (GRCh38, chr7:132,174,892, plus strand): 5'-GGTGTAAGTTCTATAGTCCAGGAACGGAATCCCGGCTCCATCCAGGTCACTGGTCAGCTC[A>C]TGGATGTCCGTCTGCAGCTCGGCAAAGGCTGGCACGAAGAGAAGCCTGTGAGATGGCTGG-3'
Protein context (NP_065962.1, residues 1291-1311): EAFAELQTDI[His1301Gln]ELTSDLDGAG